The following is an entry in ClinVar:

ClinVar aggregate classification (germline): Uncertain significance (1 of 4 stars; one submission).

Conditions:
Early-infantile DEE. Also called: Early infantile epileptic encephalopathy; Ohtahara syndrome; Early infantile epileptic encephalopathy with suppression bursts. Identifiers: Orphanet 1934, MedGen C0393706, MONDO:0800491.

gnomAD v4.1: 1 of 1,614,168 alleles (0.000062%); highest among the groups gnomAD compares: Non-Finnish European, 0.000085%; no homozygotes.

Submission:

Labcorp Genetics (formerly Invitae), Labcorp
Classification: Uncertain significance for Early-infantile DEE. Last evaluated: 2024-05-23. Review status: criteria provided, single submitter. Criteria: Invitae Variant Classification Sherloc (09022015). Collection method: clinical testing. Allele origin: germline.
Comment: This sequence change replaces phenylalanine, which is neutral and non-polar, with serine, which is neutral and polar, at codon 1647 of the SPTAN1 protein (p.Phe1647Ser). This variant is not present in population databases (gnomAD no frequency). This variant has not been reported in the literature in individuals affected with SPTAN1-related conditions. Advanced modeling of protein sequence and biophysical properties (such as structural, functional, and spatial information, amino acid conservation, physicochemical variation, residue mobility, and thermodynamic stability) has been performed at Invitae for this missense variant, however the output from this modeling did not meet the statistical confidence thresholds required to predict the impact of this variant on SPTAN1 protein function. In summary, the available evidence is currently insufficient to determine the role of this variant in disease. Therefore, it has been classified as a Variant of Uncertain Significance.

NM_001130438.3(SPTAN1):c.4940T>C (p.Phe1647Ser)

Gene: SPTAN1 (spectrin alpha, non-erythrocytic 1; plus strand). Cytogenetic location: 9q34.11.
Variant type: single nucleotide variant.
Coding change: c.4940T>C on transcript NM_001130438.3 (MANE Select); coding-DNA position 4940, T replaced by C.
Protein change: p.Phe1647Ser; replaces phenylalanine 1647 with serine.
Molecular consequence: missense variant.
Genome position (GRCh38, 1-based): chr9:128,612,143, T>C. VCF-style: chr9-128612143-T-C. GRCh37 (hg19) VCF-style: chr9-131374422-T-C.
Other names: c.4976T>C, p.Phe1659Ser (NM_001375318.1, NM_001375312.2); c.4925T>C, p.Phe1642Ser (NM_003127.4); c.4940T>C, p.Phe1647Ser (NM_001363759.2, NM_001375310.1, NM_001375311.2 and 1 more transcripts); c.4880T>C, p.Phe1627Ser (NM_001363765.2, NM_001375314.2); c.4865T>C, p.Phe1622Ser (NM_001195532.2); short protein forms F1642S, F1627S, F1647S, F1659S, F1622S.
Identifiers: ClinVar variation 3635919 (VCV003635919.2).
Genomic context (GRCh38, chr9:128,612,143, plus strand): 5'-CTTTTTGGCTCCCTTCTGTTCCCCAGGCCCGCCTGGCTGCCTTAGCTGACCAGTGGCAGT[T>C]CTTGGTGCAAAAGTCAGCGGAAAAGAGCCAGAAACTGAAAGAAGCCAACAAGCAGCAGAA-3'
Protein context (NP_001123910.1, residues 1637-1657): RLAALADQWQ[Phe1647Ser]LVQKSAEKSQ